The following is an entry in ClinVar:

ClinVar aggregate classification (germline): Likely benign. Review status: criteria provided, multiple submitters, no conflicts (2 of 4 stars). 3 submissions from 3 submitters: Likely benign (3). Last evaluated 2025-09-03.

Allele frequency attached by ClinVar (database versions not stated): gnomAD exomes 0.00006; ExAC 0.00007; TOPMed 0.00007; ESP Exome Variant Server 0.00008.
gnomAD v4.1: 149 of 1,610,380 alleles (0.0093%); highest among the groups gnomAD compares: Middle Eastern, 0.082%; no homozygotes.

Submissions (3):

Mayo Clinic Laboratories, Mayo Clinic
Classification: Likely benign. Last evaluated: 2025-09-03. Review status: criteria provided, single submitter. Criteria: ACMG Guidelines, 2015. Collection method: clinical testing. Allele origin: germline. Observed: 1 variant allele.
Comment: BS1, BP4, BP7

Labcorp Genetics (formerly Invitae), Labcorp
Classification: Likely benign. Last evaluated: 2025-07-31. Review status: criteria provided, single submitter. Criteria: Invitae Variant Classification Sherloc (09022015). Collection method: clinical testing. Allele origin: germline.

Blueprint Genetics
Classification: Likely benign. Last evaluated: 2024-10-03. Review status: criteria provided, single submitter. Criteria: ACMG Guidelines, 2015. Collection method: clinical testing. Allele origin: germline.

NM_172369.5(C1QC):c.630G>A (p.Arg210=)

Gene: C1QC (complement C1q C chain; plus strand). Cytogenetic location: 1p36.12.
Variant type: single nucleotide variant.
Coding change: c.630G>A on transcript NM_172369.5 (MANE Select); coding-DNA position 630, G replaced by A.
Protein change: p.Arg210=; no amino-acid change (arginine 210 retained).
Molecular consequence: synonymous variant.
Genome position (GRCh38, 1-based): chr1:22,647,675, G>A. VCF-style: chr1-22647675-G-A. GRCh37 (hg19) VCF-style: chr1-22974168-G-A.
Other names: p.Arg210=; c.630G>A, p.Arg210= (NM_001114101.3, NM_001347619.2); c.363G>A, p.Arg121= (NM_001347620.2).
Identifiers: ClinVar variation 1639621 (VCV001639621.10), dbSNP rs370567740, ClinGen allele CA678027.
Genomic context (GRCh38, chr1:22,647,675, plus strand): 5'-CACCTTCTGTGGCCACACGTCCAAAACCAATCAGGTCAACTCGGGCGGTGTGCTGCTGAG[G>A]TTGCAGGTGGGCGAGGAGGTGTGGCTGGCTGTCAATGACTACTACGACATGGTGGGCATC-3'
Protein context (NP_758957.2, residues 200-220): NQVNSGGVLL[Arg210=]LQVGEEVWLA